The following is an entry in ClinVar:

NM_000168.6(GLI3):c.444C>T (p.Tyr148=)

Gene: GLI3 (GLI family zinc finger 3; minus strand). Cytogenetic location: 7p14.1.
Variant type: single nucleotide variant.
Coding change: c.444C>T on transcript NM_000168.6 (MANE Select); coding-DNA position 444, C replaced by T.
Protein change: p.Tyr148=; no amino-acid change (tyrosine 148 retained).
Molecular consequence: synonymous variant.
Genome position (GRCh38, 1-based): chr7:42,076,781, G>A on the plus strand (C>T on the coding strand, the complement: GLI3 is on the minus strand). VCF-style: chr7-42076781-G-A. GRCh37 (hg19) VCF-style: chr7-42116380-G-A.
Identifiers: ClinVar variation 360256 (VCV000360256.21), dbSNP rs142241970, ClinGen allele CA4231192.
Genomic context (GRCh38, chr7:42,076,781, plus strand): 5'-TTTCATTAATGAAGAAAGTGTTAATACTTACATATGCAATGGAGGAATCGGAGATGGATC[G>A]TAATGGTAACGGCCCTCATGATGTCTGGCATCAATTGGTACAGGAGGATGGAAGGCAGGG-3'
Protein context (NP_000159.3, residues 138-158): DARHHEGRYH[Tyr148=]DPSPIPPLHM

ClinVar aggregate classification (germline): Benign/Likely benign. Review status: criteria provided, multiple submitters, no conflicts (2 of 4 stars). 9 submissions from 7 submitters: Benign (6); Likely benign (3). Last evaluated 2026-09-01.

Conditions:
Polydactyly, postaxial, type A1. Identifiers: MedGen C4282400, MONDO:0008266, OMIM 174200.
Polysyndactyly 4. Also called: Polysyndactyly uncomplicated; Preaxial polydactyly 4. Identifiers: Orphanet 93338, MedGen C1868111, MONDO:0008272, OMIM 174700.
Pallister-Hall syndrome (PHS). Also called: GLI3-Related Pallister-Hall Syndrome; HYPOTHALAMIC HAMARTOBLASTOMA, HYPOPITUITARISM, IMPERFORATE ANUS, AND POSTAXIAL POLYDACTYLY. Identifiers: Orphanet 672, MedGen C0265220, MONDO:0007804, OMIM 146510.
Greig cephalopolysyndactyly syndrome (GCPS). Also called: Greig syndrome; GLI3-Related Greig Cephalopolysyndactyly Syndrome; POLYSYNDACTYLY WITH PECULIAR SKULL SHAPE. Identifiers: Orphanet 380, MedGen C0265306, MONDO:0008287, OMIM 175700.
Polydactyly. Also called: polydactylism. Identifiers: MedGen C0152427, MONDO:0021003, OMIM 603596, HP:0010442.

Allele frequency attached by ClinVar (database versions not stated): gnomAD exomes 0.00019 and 0.00050; ExAC 0.00070; 1000 Genomes Project 30x 0.00172; gnomAD 0.00175 and 0.00191; 1000 Genomes Project 0.00180; TOPMed 0.00203; ESP Exome Variant Server 0.00223.
gnomAD v4.1: 557 of 1,608,548 alleles (0.035%); highest among the groups gnomAD compares: African/African-American, 0.63%; 2 homozygotes.

Submissions (9):

CeGaT Center for Human Genetics Tuebingen
Classification: Likely benign. Last evaluated: 2026-09-01. Review status: criteria provided, single submitter. Criteria: CeGaT Center For Human Genetics Tuebingen Variant Classification Criteria Version 2. Collection method: clinical testing. Allele origin: germline. Affected: yes. Observed: 1 variant allele.
Comment: GLI3: BP4, BP7, BS1

Labcorp Genetics (formerly Invitae), Labcorp
Classification: Benign for Pallister-Hall syndrome; Greig cephalopolysyndactyly syndrome. Last evaluated: 2026-01-27. Review status: criteria provided, single submitter. Criteria: Invitae Variant Classification Sherloc (09022015). Collection method: clinical testing. Allele origin: germline.

Blueprint Genetics
Classification: Likely benign. Last evaluated: 2024-09-25. Review status: criteria provided, single submitter. Criteria: ACMG Guidelines, 2015. Collection method: clinical testing. Allele origin: germline.

Fulgent Genetics
Classification: Benign for Pallister-Hall syndrome; Polydactyly, postaxial, type A1; Polysyndactyly 4; Greig cephalopolysyndactyly syndrome. Last evaluated: 2021-07-27. Review status: criteria provided, single submitter. Criteria: ACMG Guidelines, 2015. Collection method: clinical testing. Allele origin: unknown.

GeneDx
Classification: Likely benign. Last evaluated: 2020-10-13. Review status: criteria provided, single submitter. Criteria: GeneDx Variant Classification Process June 2021. Collection method: clinical testing. Allele origin: germline. Affected: yes.

Illumina Laboratory Services, Illumina
Classification: Benign for Polydactyly. Last evaluated: 2018-01-13. Review status: criteria provided, single submitter. Criteria: ICSL Variant Classification Criteria 13 December 2019. Collection method: clinical testing. Allele origin: germline.
Comment: This variant was observed in the ICSL laboratory as part of a predisposition screen in an ostensibly healthy population. It had not been previously curated by ICSL or reported in the Human Gene Mutation Database (HGMD: prior to June 1st, 2018), and was therefore a candidate for classification through an automated scoring system. Utilizing variant allele frequency, disease prevalence and penetrance estimates, and inheritance mode, an automated score was calculated to assess if this variant is too frequent to cause the disease. Based on the score and internal cut-off values, a variant classified as benign is not then subjected to further curation. The score for this variant resulted in a classification of benign for this disease.

Illumina Laboratory Services, Illumina
Classification: Benign for Greig cephalopolysyndactyly syndrome. Last evaluated: 2018-01-13. Review status: criteria provided, single submitter. Criteria: ICSL Variant Classification Criteria 13 December 2019. Collection method: clinical testing. Allele origin: germline.
Comment: the same text as in the submission from Illumina Laboratory Services, Illumina above.

Illumina Laboratory Services, Illumina
Classification: Benign for Pallister-Hall syndrome. Last evaluated: 2018-01-13. Review status: criteria provided, single submitter. Criteria: ICSL Variant Classification Criteria 13 December 2019. Collection method: clinical testing. Allele origin: germline.
Comment: the same text as in the submission from Illumina Laboratory Services, Illumina above.

Center for Pediatric Genomic Medicine, Children's Mercy Hospital and Clinics
Classification: Benign. Last evaluated: 2016-06-14. Review status: criteria provided, single submitter. Criteria: ACMG Guidelines, 2015. Collection method: clinical testing. Allele origin: germline.